The following is an entry in ClinVar:

NM_014989.7(RIMS1):c.269G>T (p.Ser90Ile)

Gene: RIMS1 (regulating synaptic membrane exocytosis 1; plus strand). Cytogenetic location: 6q13.
Variant type: single nucleotide variant.
Coding change: c.269G>T on transcript NM_014989.7 (MANE Select); coding-DNA position 269, G replaced by T.
Protein change: p.Ser90Ile; replaces serine 90 with isoleucine.
Molecular consequence: missense variant.
Genome position (GRCh38, 1-based): chr6:72,096,972, G>T. VCF-style: chr6-72096972-G-T. GRCh37 (hg19) VCF-style: chr6-72806675-G-T.
Other names: c.266G>T, p.Ser89Ile (NM_001350411.1); c.188G>T, p.Ser63Ile (NM_001350412.1); c.269G>T, p.Ser90Ile (NM_001350413.1); short protein forms S63I, S90I, S89I.
Identifiers: ClinVar variation 2540857 (VCV002540857.3), dbSNP rs781632662, ClinGen allele CA3885451.
Genomic context (GRCh38, chr6:72,096,972, plus strand): 5'-ATTTACTTAGTTTGCTACCATTTTCTCTTTTGCCTAGGAGATTGCATCAACAGTTTGAAA[G>T]CTATAAGGAACAAGTGAGAAAAATAGGGGAAGAAGCGCGGCGTTACCAGGGCGAGCACAA-3'
Protein context (NP_055804.2, residues 80-100): PSPRLHQQFE[Ser90Ile]YKEQVRKIGE

ClinVar aggregate classification (germline): Uncertain significance. Review status: criteria provided, multiple submitters, no conflicts (2 of 4 stars). 2 submissions from 2 submitters: Uncertain significance (2). Last evaluated 2026-01-22.

Allele frequency attached by ClinVar (database versions not stated): TOPMed below 0.00001; ExAC 0.00001; gnomAD 0.00002.
gnomAD v4.1: 39 of 1,613,628 alleles (0.0024%); highest among the groups gnomAD compares: Non-Finnish European, 0.0033%; no homozygotes.

Submissions (2):

Labcorp Genetics (formerly Invitae), Labcorp
Classification: Uncertain significance. Last evaluated: 2026-01-22. Review status: criteria provided, single submitter. Criteria: Invitae Variant Classification Sherloc (09022015). Collection method: clinical testing. Allele origin: germline.
Comment: This sequence change replaces serine, which is neutral and polar, with isoleucine, which is neutral and non-polar, at codon 90 of the RIMS1 protein (p.Ser90Ile). This variant is present in population databases (rs781632662, gnomAD 0.003%). This variant has not been reported in the literature in individuals affected with RIMS1-related conditions. ClinVar contains an entry for this variant (Variation ID: 2540857). An algorithm developed to predict the effect of missense changes on protein structure and function (PolyPhen-2) suggests that this variant is likely to be disruptive. In summary, the available evidence is currently insufficient to determine the role of this variant in disease. Therefore, it has been classified as a Variant of Uncertain Significance.

Ambry Genetics
Classification: Uncertain significance. Last evaluated: 2023-04-26. Review status: criteria provided, single submitter. Criteria: Ambry Variant Classification Scheme 2023. Collection method: clinical testing. Allele origin: germline.